The following is an entry in ClinVar:

NM_000493.4(COL10A1):c.1725G>T (p.Leu575Phe)

Genes: COL10A1 (collagen type X alpha 1 chain; minus strand), NT5DC1 (5'-nucleotidase domain containing 1; plus strand). Cytogenetic location: 6q22.1.
Variant type: single nucleotide variant.
Coding change: c.1725G>T on transcript NM_000493.4 (MANE Select); coding-DNA position 1725, G replaced by T.
Protein change: p.Leu575Phe; replaces leucine 575 with phenylalanine.
Molecular consequence: missense variant. On other transcripts: intron variant (1).
Genome position (GRCh38, 1-based): chr6:116,120,391, C>A on the plus strand (G>T on the coding strand, the complement: COL10A1 is on the minus strand). VCF-style: chr6-116120391-C-A. GRCh37 (hg19) VCF-style: chr6-116441554-C-A.
Other names: c.1725G>T, p.Leu575Phe (NM_001424106.1, NM_001424107.1); c.529+2446C>A (NM_152729.3); short protein forms L575F.
Identifiers: ClinVar variation 2578289 (VCV002578289.1), dbSNP rs2534084893, ClinGen allele CA365387075.

ClinVar aggregate classification (germline): Uncertain significance (1 of 4 stars; one submission).

Submission:

GeneDx
Classification: Uncertain significance. Last evaluated: 2023-03-02. Review status: criteria provided, single submitter. Criteria: GeneDx Variant Classification Process June 2021. Collection method: clinical testing. Allele origin: germline. Affected: yes.
Comment: Not observed at significant frequency in large population cohorts (gnomAD); In silico analysis supports that this missense variant does not alter protein structure/function; Has not been previously published as pathogenic or benign to our knowledge